The following is an entry in ClinVar:

NM_002351.5(SH2D1A):c.138-2A>G

Gene: SH2D1A (SH2 domain containing 1A; plus strand). Cytogenetic location: Xq25.
Variant type: single nucleotide variant.
Coding change: c.138-2A>G on transcript NM_002351.5 (MANE Select); the canonical splice acceptor site of the intron before coding-DNA position 138, A replaced by G.
Molecular consequence: splice acceptor variant.
Genome position (GRCh38, 1-based): chrX:124,365,759, A>G. VCF-style: chrX-124365759-A-G. GRCh37 (hg19) VCF-style: chrX-123499609-A-G.
Other names: c.138-2A>G (NM_001114937.3).
Identifiers: ClinVar variation 3724435 (VCV003724435.3).

ClinVar aggregate classification (germline): Pathogenic (1 of 4 stars; one submission).

Conditions:
X-linked lymphoproliferative disease due to SH2D1A deficiency (XLP1). Also called: PURTILO SYNDROME; DUNCAN DISEASE; IMMUNODEFICIENCY 5; IMMUNODEFICIENCY, X-LINKED PROGRESSIVE COMBINED VARIABLE; INFECTIOUS MONONUCLEOSIS, SEVERE, SUSCEPTIBILITY TO; EBV infection severe susceptibility to. Identifiers: Orphanet 2442, Orphanet 538931, MedGen C5399825, MONDO:0024551, OMIM 308240.

Submissions (3):

Labcorp Genetics (formerly Invitae), Labcorp
Classification: Pathogenic for X-linked lymphoproliferative disease due to SH2D1A deficiency. Last evaluated: 2024-04-05. Review status: criteria provided, single submitter. Criteria: Invitae Variant Classification Sherloc (09022015). Collection method: clinical testing. Allele origin: germline.
Comment: This sequence change affects an acceptor splice site in intron 1 of the SH2D1A gene. It is expected to disrupt RNA splicing. Variants that disrupt the donor or acceptor splice site typically lead to a loss of protein function (PMID: 16199547), and loss-of-function variants in SH2D1A are known to be pathogenic (PMID: 9771704, 11049992, 15711562). This variant is not present in population databases (gnomAD no frequency). Disruption of this splice site has been observed in individual(s) with clinical features of SH2D1A-related conditions (PMID: 15632210). Studies have shown that disruption of this splice site alters SH2D1A gene expression (PMID: 15632210). Algorithms developed to predict the effect of sequence changes on RNA splicing suggest that this variant may disrupt the consensus splice site. For these reasons, this variant has been classified as Pathogenic.

Dr. Peter K. Rogan Lab, Western University
No classification provided (evidence only). Condition: Thyroid cancer, nonmedullary, 1. Review status: no classification provided. Collection method: in vitro. Allele origin: not applicable. Functional consequence: retained intron. Not counted in ClinVar's aggregate classification.

Dr. Peter K. Rogan Lab, Western University
No classification provided (evidence only). Condition: Nonpapillary renal cell carcinoma. Review status: no classification provided. Collection method: in vitro. Allele origin: not applicable. Functional consequence: retained intron. Not counted in ClinVar's aggregate classification.

Literature cited by the submitters: PubMed 16199547 (cited by Labcorp Genetics (formerly Invitae), Labcorp); PubMed 9771704 (cited by Labcorp Genetics (formerly Invitae), Labcorp); PubMed 11049992 (cited by Labcorp Genetics (formerly Invitae), Labcorp); PubMed 15711562 (cited by Labcorp Genetics (formerly Invitae), Labcorp); PubMed 15632210 (cited by Labcorp Genetics (formerly Invitae), Labcorp).